The following is an entry in ClinVar:

ClinVar aggregate classification (germline): Uncertain significance (1 of 4 stars; one submission).

Conditions:
Hereditary cancer-predisposing syndrome. Also called: Tumor predisposition; Neoplastic Syndromes, Hereditary; Hereditary Cancer Syndrome; Hereditary neoplastic syndrome. Identifiers: Orphanet 140162, MedGen C0027672, MeSH D009386, MONDO:0015356.

Submission:

Ambry Genetics
Classification: Uncertain significance for Hereditary cancer-predisposing syndrome. Last evaluated: 2024-08-21. Review status: criteria provided, single submitter. Criteria: Ambry Variant Classification Scheme 2023. Collection method: clinical testing. Allele origin: germline.
Comment: The p.D219Y variant (also known as c.655G>T), located in coding exon 5 of the FH gene, results from a G to T substitution at nucleotide position 655. The aspartic acid at codon 219 is replaced by tyrosine, an amino acid with highly dissimilar properties. This amino acid position is not well conserved in available vertebrate species. In addition, the in silico prediction for this alteration is inconclusive. Based on the available evidence, the clinical significance of this variant remains unclear.

NM_000143.4(FH):c.655G>T (p.Asp219Tyr)

Gene: FH (fumarate hydratase; minus strand). Cytogenetic location: 1q43.
Variant type: single nucleotide variant.
Coding change: c.655G>T on transcript NM_000143.4 (MANE Select); coding-DNA position 655, G replaced by T.
Protein change: p.Asp219Tyr; replaces aspartic acid 219 with tyrosine.
Molecular consequence: missense variant.
Genome position (GRCh38, 1-based): chr1:241,508,686, C>A on the plus strand (G>T on the coding strand, the complement: FH is on the minus strand). VCF-style: chr1-241508686-C-A. GRCh37 (hg19) VCF-style: chr1-241671986-C-A.
Other names: short protein forms D219Y.
Identifiers: ClinVar variation 3515093 (VCV003515093.1).
Genomic context (GRCh38, chr1:241,508,686, plus strand): 5'-CATCCTGAGTATGAGTACGTCCAATCTTGATGATCTGTGCAAACTCTTTGGATTTTGCAT[C>A]AAGAGCATCATGTAACTTCTGTAGTCCTGGTAACAGTACTTCATGAACTTCTATTGCAGC-3'
Protein context (NP_000134.2, residues 209-229): PGLQKLHDAL[Asp219Tyr]AKSKEFAQII